The following is an entry in ClinVar:

ClinVar aggregate classification (germline): Uncertain significance (1 of 4 stars; one submission).

gnomAD v4.1: 6 of 1,613,910 alleles (0.00037%); highest among the groups gnomAD compares: Non-Finnish European, 0.00051%; no homozygotes.

Submission:

Labcorp Genetics (formerly Invitae), Labcorp
Classification: Uncertain significance. Last evaluated: 2024-08-12. Review status: criteria provided, single submitter. Criteria: Invitae Variant Classification Sherloc (09022015). Collection method: clinical testing. Allele origin: germline.
Comment: The TCF3 gene has multiple clinically relevant transcripts. This variant occurs in alternate transcript NM_001136139.3, and corresponds to NM_003200.4:c.1823-522C>G in the primary transcript. This sequence change replaces alanine, which is neutral and non-polar, with glycine, which is neutral and non-polar, at codon 550 of the TCF3 protein (p.Ala550Gly). This variant is not present in population databases (gnomAD no frequency). This variant has not been reported in the literature in individuals affected with TCF3-related conditions. Experimental studies and prediction algorithms are not available or were not evaluated, and the functional significance of this variant is currently unknown. Algorithms developed to predict the effect of sequence changes on RNA splicing suggest that this variant is not likely to affect RNA splicing. In summary, the available evidence is currently insufficient to determine the role of this variant in disease. Therefore, it has been classified as a Variant of Uncertain Significance.

NM_001136139.4(TCF3):c.1649C>G (p.Ala550Gly)

Gene: TCF3 (transcription factor 3; minus strand). Cytogenetic location: 19p13.3.
Variant type: single nucleotide variant.
Coding change: c.1649C>G on transcript NM_001136139.4 (MANE Plus Clinical); coding-DNA position 1649, C replaced by G.
Protein change: p.Ala550Gly; replaces alanine 550 with glycine.
Molecular consequence: missense variant. On other transcripts: intron variant (2).
Genome position (GRCh38, 1-based): chr19:1,612,371, G>C on the plus strand (C>G on the coding strand, the complement: TCF3 is on the minus strand). VCF-style: chr19-1612371-G-C. GRCh37 (hg19) VCF-style: chr19-1612370-G-C.
Other names: c.1649C>G, p.Ala550Gly (NM_001351779.2); c.1820-522C>G (NM_001351778.2); c.1823-522C>G (NM_003200.5); short protein forms A550G.
Identifiers: ClinVar variation 2750515 (VCV002750515.3), dbSNP rs775120568, ClinGen allele CA403048925.